The following is an entry in ClinVar:

ClinVar aggregate classification (germline): Pathogenic (1 of 4 stars; one submission).

Conditions:
Familial hypocalciuric hypercalcemia (FHH). Also called: Familial benign hypercalcemia. Identifiers: Orphanet 405, MedGen C1809471, MONDO:0018458.
Autosomal dominant hypocalcemia 1 (HYPOC1). Also called: HYPOCALCEMIA, FAMILIAL. Identifiers: MedGen C3715128, MONDO:0011013, OMIM 601198.

Submission:

Labcorp Genetics (formerly Invitae), Labcorp
Classification: Pathogenic for Familial hypocalciuric hypercalcemia; Autosomal dominant hypocalcemia 1. Last evaluated: 2022-07-01. Review status: criteria provided, single submitter. Criteria: Invitae Variant Classification Sherloc (09022015). Collection method: clinical testing. Allele origin: germline.
Comment: For these reasons, this variant has been classified as Pathogenic. This variant disrupts a region of the CASR protein in which other variant(s) (p.Arg886Pro) have been determined to be pathogenic (PMID: 11807402, 20798521; Invitae). This suggests that this is a clinically significant region of the protein, and that variants that disrupt it are likely to be disease-causing. This variant has not been reported in the literature in individuals affected with CASR-related conditions. This variant is a gross deletion of the genomic region encompassing exon(s) 5-7 of the CASR gene, which includes the termination codon. This deletion extends beyond the assayed region for this gene and therefore may encompass additional genes. While this deletion is not anticipated to lead to nonsense mediated decay, it is expected to alter mRNA translation or result in a truncated protein product.

Literature cited by the submitters: PubMed 11807402; PubMed 20798521.

NC_000003.11:g.(?_121994639)_(122060414_?)del

Genes: CASR (calcium sensing receptor; plus strand), CSTA (cystatin A; plus strand). Cytogenetic location: 3q21.1.
Variant type: Deletion.
Identifiers: ClinVar variation 2423000 (VCV002423000.5).